The following is an entry in ClinVar:

ClinVar aggregate classification (germline): Uncertain significance (1 of 4 stars; one submission).

Conditions:
Oligodontia-cancer predisposition syndrome. Also called: TOOTH AGENESIS-COLORECTAL CANCER SYNDROME. Identifiers: Orphanet 300576, MedGen C1837750, MONDO:0012075, OMIM 608615. Disease mechanism: loss of function.

Submission:

Labcorp Genetics (formerly Invitae), Labcorp
Classification: Uncertain significance for Oligodontia-cancer predisposition syndrome. Last evaluated: 2026-01-11. Review status: criteria provided, single submitter. Criteria: Invitae Variant Classification Sherloc (09022015). Collection method: clinical testing. Allele origin: germline.
Comment: This sequence change replaces serine, which is neutral and polar, with cysteine, which is neutral and slightly polar, at codon 52 of the AXIN2 protein (p.Ser52Cys). This variant is not present in population databases (gnomAD no frequency). This variant has not been reported in the literature in individuals affected with AXIN2-related conditions. ClinVar contains an entry for this variant (Variation ID: 1043848). Invitae Evidence Modeling of protein sequence and biophysical properties (such as structural, functional, and spatial information, amino acid conservation, physicochemical variation, residue mobility, and thermodynamic stability) indicates that this missense variant is not expected to disrupt AXIN2 protein function with a negative predictive value of 80%. In summary, the available evidence is currently insufficient to determine the role of this variant in disease. Therefore, it has been classified as a Variant of Uncertain Significance.

NM_004655.4(AXIN2):c.155C>G (p.Ser52Cys)

Gene: AXIN2 (axin 2; minus strand). Cytogenetic location: 17q24.1.
Variant type: single nucleotide variant.
Coding change: c.155C>G on transcript NM_004655.4 (MANE Select); coding-DNA position 155, C replaced by G.
Protein change: p.Ser52Cys; replaces serine 52 with cysteine.
Molecular consequence: missense variant.
Genome position (GRCh38, 1-based): chr17:65,558,466, G>C on the plus strand (C>G on the coding strand, the complement: AXIN2 is on the minus strand). VCF-style: chr17-65558466-G-C. GRCh37 (hg19) VCF-style: chr17-63554584-G-C.
Other names: c.155C>G, p.Ser52Cys (NM_001363813.1); short protein forms S52C.
Identifiers: ClinVar variation 1043848 (VCV001043848.8), dbSNP rs2044308792, ClinGen allele CA400682008.